The following is an entry in ClinVar:

NM_025099.6(CTC1):c.16G>A (p.Ala6Thr)

Genes: PFAS (phosphoribosylformylglycinamidine synthase; plus strand), CTC1 (CST telomere replication complex component 1; minus strand). Cytogenetic location: 17p13.1.
Variant type: single nucleotide variant.
Coding change: c.16G>A on transcript NM_025099.6 (MANE Select); coding-DNA position 16, G replaced by A.
Protein change: p.Ala6Thr; replaces alanine 6 with threonine.
Molecular consequence: missense variant. On other transcripts: non-coding transcript variant (1).
Genome position (GRCh38, 1-based): chr17:8,248,021, C>T on the plus strand (G>A on the coding strand, the complement: CTC1 is on the minus strand). VCF-style: chr17-8248021-C-T. GRCh37 (hg19) VCF-style: chr17-8151339-C-T.
Other names: c.16G>A, p.Ala6Thr (NM_001411067.1); short protein forms A6T.
Identifiers: ClinVar variation 2058517 (VCV002058517.4), dbSNP rs753797185, ClinGen allele CA397999603.

ClinVar aggregate classification (germline): Uncertain significance (1 of 4 stars; one submission).

Conditions:
Dyskeratosis congenita. Identifiers: Orphanet 1775, MedGen C0265965, MONDO:0015780.

Allele frequency attached by ClinVar (database versions not stated): TOPMed below 0.00001; gnomAD 0.00001.
gnomAD v4.1: 10 of 1,608,970 alleles (0.00062%); highest among the groups gnomAD compares: South Asian, 0.0066%; no homozygotes.

Submission:

Labcorp Genetics (formerly Invitae), Labcorp
Classification: Uncertain significance for Dyskeratosis congenita. Last evaluated: 2022-10-05. Review status: criteria provided, single submitter. Criteria: Invitae Variant Classification Sherloc (09022015). Collection method: clinical testing. Allele origin: germline.
Comment: In summary, the available evidence is currently insufficient to determine the role of this variant in disease. Therefore, it has been classified as a Variant of Uncertain Significance. Algorithms developed to predict the effect of missense changes on protein structure and function (SIFT, PolyPhen-2, Align-GVGD) all suggest that this variant is likely to be tolerated. This variant has not been reported in the literature in individuals affected with CTC1-related conditions. The frequency data for this variant in the population databases is considered unreliable, as metrics indicate poor data quality at this position in the gnomAD database. This sequence change replaces alanine, which is neutral and non-polar, with threonine, which is neutral and polar, at codon 6 of the CTC1 protein (p.Ala6Thr).